The following is an entry in ClinVar:

NM_002075.4(GNB3):c.32C>T (p.Ala11Val)

Gene: GNB3 (G protein subunit beta 3; plus strand). Cytogenetic location: 12p13.31.
Variant type: single nucleotide variant.
Coding change: c.32C>T on transcript NM_002075.4 (MANE Select); coding-DNA position 32, C replaced by T.
Protein change: p.Ala11Val; replaces alanine 11 with valine.
Molecular consequence: missense variant.
Genome position (GRCh38, 1-based): chr12:6,841,319, C>T. VCF-style: chr12-6841319-C-T. GRCh37 (hg19) VCF-style: chr12-6950483-C-T.
Other names: c.32C>T, p.Ala11Val (NM_001297571.2); c.32C>T (NM_002075.2); short protein forms A11V.
Identifiers: ClinVar variation 1395424 (VCV001395424.11), dbSNP rs782550076, ClinGen allele CA6417336.

ClinVar aggregate classification (germline): Conflicting classifications of pathogenicity. Review status: criteria provided, conflicting classifications (1 of 4 stars). 3 submissions from 3 submitters: Uncertain significance (2); Likely benign (1). Last evaluated 2025-11-24.

Conditions:
Inborn genetic diseases. Identifiers: MedGen C0950123, MeSH D030342.

Allele frequency attached by ClinVar (database versions not stated): gnomAD exomes 0.00006; ExAC 0.00007; 1000 Genomes Project 30x 0.00016; gnomAD 0.00018 and 0.00021; 1000 Genomes Project 0.00020; TOPMed 0.00027.

Submissions (3):

Ambry Genetics
Classification: Uncertain significance for Inborn genetic diseases. Last evaluated: 2025-11-24. Review status: criteria provided, single submitter. Criteria: Ambry Variant Classification Scheme 2023. Collection method: clinical testing. Allele origin: germline.

Labcorp Genetics (formerly Invitae), Labcorp
Classification: Uncertain significance. Last evaluated: 2025-08-11. Review status: criteria provided, single submitter. Criteria: Invitae Variant Classification Sherloc (09022015). Collection method: clinical testing. Allele origin: germline.
Comment: This sequence change replaces alanine, which is neutral and non-polar, with valine, which is neutral and non-polar, at codon 11 of the GNB3 protein (p.Ala11Val). This variant is present in population databases (rs782550076, gnomAD 0.06%), and has an allele count higher than expected for a pathogenic variant. This variant has not been reported in the literature in individuals affected with GNB3-related conditions. ClinVar contains an entry for this variant (Variation ID: 1395424). Invitae Evidence Modeling of protein sequence and biophysical properties (such as structural, functional, and spatial information, amino acid conservation, physicochemical variation, residue mobility, and thermodynamic stability) indicates that this missense variant is not expected to disrupt GNB3 protein function with a negative predictive value of 80%. In summary, the available evidence is currently insufficient to determine the role of this variant in disease. Therefore, it has been classified as a Variant of Uncertain Significance.

Blueprint Genetics
Classification: Likely benign. Last evaluated: 2024-09-21. Review status: criteria provided, single submitter. Criteria: ACMG Guidelines, 2015. Collection method: clinical testing. Allele origin: germline.